The following is an entry in ClinVar:

ClinVar aggregate classification (germline): Likely benign (1 of 4 stars; one submission).

Allele frequency attached by ClinVar (database versions not stated): TOPMed 0.00042; gnomAD exomes 0.00053; ESP Exome Variant Server 0.00064; gnomAD 0.00088; ExAC 0.00089.
gnomAD v4.1: 922 of 1,614,062 alleles (0.057%); highest among the groups gnomAD compares: Non-Finnish European, 0.049%; no homozygotes.

Submission:

CeGaT Center for Human Genetics Tuebingen
Classification: Likely benign. Last evaluated: 2022-10-01. Review status: criteria provided, single submitter. Criteria: CeGaT Center For Human Genetics Tuebingen Variant Classification Criteria Version 2. Collection method: clinical testing. Allele origin: germline. Affected: yes. Observed: 1 variant allele.
Comment: ARHGEF37: BP4, BP7

NM_001001669.3(ARHGEF37):c.1830G>A (p.Ala610=)

Genes: ARHGEF37 (Rho guanine nucleotide exchange factor 37; plus strand), LOC126807550 (CDK7 strongly-dependent group 2 enhancer GRCh37_chr5:149011522-149012721; plus strand). Cytogenetic location: 5q32.
Variant type: single nucleotide variant.
Coding change: c.1830G>A on transcript NM_001001669.3 (MANE Select); coding-DNA position 1830, G replaced by A.
Protein change: p.Ala610=; no amino-acid change (alanine 610 retained).
Molecular consequence: synonymous variant.
Genome position (GRCh38, 1-based): chr5:149,631,993, G>A. VCF-style: chr5-149631993-G-A. GRCh37 (hg19) VCF-style: chr5-149011556-G-A.
Identifiers: ClinVar variation 2655899 (VCV002655899.24), dbSNP rs201695271, ClinGen allele CA3503190.